The following is an entry in ClinVar:

NM_000535.5(PMS2):c.-195T>C

Gene: PMS2 (PMS1 homolog 2, mismatch repair system component; minus strand). Cytogenetic location: 7p22.1.
Variant type: single nucleotide variant.
Coding change: c.-195T>C on transcript NM_000535.5; 195 bases upstream of the start codon, T replaced by C.
Genome position (GRCh38, 1-based): chr7:6,009,214, A>G on the plus strand (T>C on the coding strand, the complement: PMS2 is on the minus strand). VCF-style: chr7-6009214-A-G. GRCh37 (hg19) VCF-style: chr7-6048845-A-G.
Identifiers: ClinVar variation 91281 (VCV000091281.5), dbSNP rs2302336, ClinGen allele CA331725.

ClinVar aggregate classification (germline): Benign (3 of 4 stars; one submission).

Conditions:
Lynch syndrome. Identifiers: Orphanet 144, MedGen C4552100, MONDO:0005835. Disease mechanism: loss of function.

Allele frequency attached by ClinVar (database versions not stated): gnomAD 0.05726 and 0.04915; 1000 Genomes Project 0.12121; TOPMed 0.05978; 1000 Genomes Project 30x 0.11462.

Submission:

International Society for Gastrointestinal Hereditary Tumours (InSiGHT)
Classification: Benign for Lynch Syndrome. Last evaluated: 2013-09-05. Review status: reviewed by expert panel. Criteria: Guidelines v1.9. Collection method: research. Allele origin: germline.
Comment: MAF >1%

Classified with v1.9 guidelines
ClinVar note: Converted during submission from no known pathogenicity to Benign.